The following is an entry in ClinVar:

NM_001035.3(RYR2):c.7897G>A (p.Ala2633Thr)

Gene: RYR2 (ryanodine receptor 2; plus strand). Cytogenetic location: 1q43.
Variant type: single nucleotide variant.
Coding change: c.7897G>A on transcript NM_001035.3 (MANE Select); coding-DNA position 7897, G replaced by A.
Protein change: p.Ala2633Thr; replaces alanine 2633 with threonine.
Molecular consequence: missense variant.
Genome position (GRCh38, 1-based): chr1:237,654,346, G>A. VCF-style: chr1-237654346-G-A. GRCh37 (hg19) VCF-style: chr1-237817646-G-A.
Other names: short protein forms A2633T.
Identifiers: ClinVar variation 876480 (VCV000876480.11), dbSNP rs1683042825, ClinGen allele CA345400334.

ClinVar aggregate classification (germline): Uncertain significance. Review status: criteria provided, multiple submitters, no conflicts (2 of 4 stars). 6 submissions from 5 submitters: Uncertain significance (6). Last evaluated 2025-03-25.

Conditions:
Catecholaminergic polymorphic ventricular tachycardia (CVPT). Also called: Catecholamine-induced polymorphic ventricular tachycardia. Identifiers: Orphanet 3286, MedGen C5574922, MONDO:0017990.
Cardiovascular phenotype. Identifiers: MedGen CN230736.
Arrhythmogenic right ventricular dysplasia 2. Identifiers: MedGen C1832931.
Catecholaminergic polymorphic ventricular tachycardia 1. Also called: RYR2-Related Catecholaminergic Polymorphic Ventricular Tachycardia; VENTRICULAR TACHYCARDIA, CATECHOLAMINERGIC POLYMORPHIC, 1, WITH OR WITHOUT ATRIAL DYSFUNCTION AND/OR DILATED CARDIOMYOPATHY; VENTRICULAR TACHYCARDIA, STRESS-INDUCED POLYMORPHIC 1. Identifiers: Orphanet 3286, MedGen C1631597, MONDO:0011484, OMIM 604772.

Allele frequency attached by ClinVar (database versions not stated): gnomAD exomes 0.00001.
gnomAD v4.1: 8 of 1,613,968 alleles (0.0005%); highest among the groups gnomAD compares: Non-Finnish European, 0.00068%; no homozygotes.

Submissions (6):

Ambry Genetics
Classification: Uncertain significance for Cardiovascular phenotype. Last evaluated: 2025-03-25. Review status: criteria provided, single submitter. Criteria: Ambry Variant Classification Scheme 2023. Collection method: clinical testing. Allele origin: germline.
Comment: The p.A2633T variant (also known as c.7897G>A), located in coding exon 52 of the RYR2 gene, results from a G to A substitution at nucleotide position 7897. The alanine at codon 2633 is replaced by threonine, an amino acid with similar properties. This amino acid position is well conserved in available vertebrate species. In addition, the in silico prediction for this alteration is inconclusive. Based on the available evidence, the clinical significance of this variant remains unclear.

Victorian Clinical Genetics Services, Murdoch Childrens Research Institute
Classification: Uncertain significance for Catecholaminergic polymorphic ventricular tachycardia 1. Last evaluated: 2023-07-17. Review status: criteria provided, single submitter. Criteria: ACMG Guidelines, 2015. Collection method: clinical testing. Allele origin: germline. Inheritance: Autosomal dominant inheritance. Affected: yes.
Comment: Based on the classification scheme VCGS_Germline_v1.3.4, this variant is classified as VUS-3B. Following criteria are met: 0103 - Dominant negative and gain of function are known mechanisms of disease in this gene and are associated with catecholaminergic polymorphic ventricular tachycardia 1 (MIM#604772) and left ventricular non-compaction (PMIDs: 12459180, 27646203, 29477366, 31875585, 33500567). Loss of function has been reported for ventricular arrhythmias due to cardiac ryanodine receptor calcium release deficiency syndrome (MIM#115000), however dominant negative mechanism has not been excluded (PMID: 33536282). (I) 0107 - This gene is associated with autosomal dominant disease. (I) 0112 - The condition associated with this gene has incomplete penetrance. Penetrance for CPVT is estimated to be 60-70% (PMID: 23549275). (I) 0200 - Variant is predicted to result in a missense amino acid change from alanine to threonine. (I) 0251 - This variant is heterozygous. (I) 0301 - Variant is absent from gnomAD (both v2 and v3). (SP) 0502 - Missense variant with conflicting in silico predictions and high conservation. (I) 0604 - Variant is not located in an established domain, motif, hotspot or informative constraint region. (I) 0705 - No comparable missense variants have previous evidence for pathogenicity. (I) 0809 - Previous evidence of pathogenicity for this variant is inconclusive. It has been reported as a VUS by two clinical testing laboratories (ClinVar). (I) 0905 - No published segregation evidence has been identified for this variant. (I) 1007 - No published functional evidence has been identified for this variant. (I) 1208 - Inheritance information for this variant is not currently available in this individual. (I) Legend: (SP) - Supporting pathogenic, (I) - Information, (SB) - Supporting benign

Labcorp Genetics (formerly Invitae), Labcorp
Classification: Uncertain significance for Catecholaminergic polymorphic ventricular tachycardia 1. Last evaluated: 2023-06-24. Review status: criteria provided, single submitter. Criteria: Invitae Variant Classification Sherloc (09022015). Collection method: clinical testing. Allele origin: germline.
Comment: Advanced modeling of protein sequence and biophysical properties (such as structural, functional, and spatial information, amino acid conservation, physicochemical variation, residue mobility, and thermodynamic stability) has been performed at Invitae for this missense variant, however the output from this modeling did not meet the statistical confidence thresholds required to predict the impact of this variant on RYR2 protein function. In summary, the available evidence is currently insufficient to determine the role of this variant in disease. Therefore, it has been classified as a Variant of Uncertain Significance. ClinVar contains an entry for this variant (Variation ID: 876480). This variant has not been reported in the literature in individuals affected with RYR2-related conditions. This variant is not present in population databases (gnomAD no frequency). This sequence change replaces alanine, which is neutral and non-polar, with threonine, which is neutral and polar, at codon 2633 of the RYR2 protein (p.Ala2633Thr).

All of Us Research Program, National Institutes of Health
Classification: Uncertain significance for Catecholaminergic polymorphic ventricular tachycardia. Last evaluated: 2022-11-28. Review status: criteria provided, single submitter. Criteria: ACMG Guidelines, 2015. Collection method: clinical testing. Allele origin: germline. Inheritance: Autosomal dominant inheritance. Observed: 1 variant allele, 1 heterozygote.
Comment: This study involves interpretation of variants in research participants for the purpose of population health screening. Participant phenotype was not available at the time of variant classification. Additional details can be found in publication PMID: 35346344, PMCID: PMC8962531

Illumina Laboratory Services, Illumina
Classification: Uncertain significance for Catecholaminergic polymorphic ventricular tachycardia 1. Last evaluated: 2018-01-13. Review status: criteria provided, single submitter. Criteria: ICSL Variant Classification Criteria 13 December 2019. Collection method: clinical testing. Allele origin: germline.

Illumina Laboratory Services, Illumina
Classification: Uncertain significance for Catecholaminergic polymorphic ventricular tachycardia 1. Last evaluated: 2018-01-13. Review status: criteria provided, single submitter. Criteria: ICSL Variant Classification Criteria 13 December 2019. Collection method: clinical testing. Allele origin: germline.

Literature cited by the submitters: PubMed 12459180 (cited by Victorian Clinical Genetics Services, Murdoch Childrens Research Institute); PubMed 23549275 (cited by Victorian Clinical Genetics Services, Murdoch Childrens Research Institute); PubMed 27646203 (cited by Victorian Clinical Genetics Services, Murdoch Childrens Research Institute); PubMed 29477366 (cited by Victorian Clinical Genetics Services, Murdoch Childrens Research Institute); PubMed 31875585 (cited by Victorian Clinical Genetics Services, Murdoch Childrens Research Institute); PubMed 33500567 (cited by Victorian Clinical Genetics Services, Murdoch Childrens Research Institute); PubMed 33536282 (cited by Victorian Clinical Genetics Services, Murdoch Childrens Research Institute).